The following is an entry in ClinVar:

NM_001852.4(COL9A2):c.1460G>A (p.Gly487Glu)

Gene: COL9A2 (collagen type IX alpha 2 chain; minus strand). Cytogenetic location: 1p34.2.
Variant type: single nucleotide variant.
Coding change: c.1460G>A on transcript NM_001852.4 (MANE Select); coding-DNA position 1460, G replaced by A.
Protein change: p.Gly487Glu; replaces glycine 487 with glutamic acid.
Molecular consequence: missense variant.
Genome position (GRCh38, 1-based): chr1:40,303,618, C>T on the plus strand (G>A on the coding strand, the complement: COL9A2 is on the minus strand). VCF-style: chr1-40303618-C-T. GRCh37 (hg19) VCF-style: chr1-40769290-C-T.
Other names: short protein forms G487E.
Identifiers: ClinVar variation 2794786 (VCV002794786.3), dbSNP rs1643952807, ClinGen allele CA339878489.

ClinVar aggregate classification (germline): Uncertain significance (1 of 4 stars; one submission).

Allele frequency attached by ClinVar (database versions not stated): gnomAD 0.00001.

Submission:

Labcorp Genetics (formerly Invitae), Labcorp
Classification: Uncertain significance. Last evaluated: 2023-10-18. Review status: criteria provided, single submitter. Criteria: Invitae Variant Classification Sherloc (09022015). Collection method: clinical testing. Allele origin: germline.
Comment: This sequence change replaces glycine, which is neutral and non-polar, with glutamic acid, which is acidic and polar, at codon 487 of the COL9A2 protein (p.Gly487Glu). This variant is not present in population databases (gnomAD no frequency). This variant has not been reported in the literature in individuals affected with COL9A2-related conditions. Advanced modeling of protein sequence and biophysical properties (such as structural, functional, and spatial information, amino acid conservation, physicochemical variation, residue mobility, and thermodynamic stability) performed at Invitae indicates that this missense variant is expected to disrupt COL9A2 protein function. In summary, the available evidence is currently insufficient to determine the role of this variant in disease. Therefore, it has been classified as a Variant of Uncertain Significance.